The following is an entry in ClinVar:

ClinVar aggregate classification (germline): Uncertain significance (1 of 4 stars; one submission).

Conditions:
Hereditary spastic paraplegia 11. Also called: Spastic Paraplegia 11; Spastic paraplegia, mental retardation and thin corpus callosum; Nakamura Osame syndrome; Autosomal recessive hereditary spastic paraplegia, mental impairment, and thin corpus callosum; SPASTIC PARAPLEGIA, AUTOSOMAL RECESSIVE, COMPLICATED, WITH THIN CORPUS CALLOSUM; SPASTIC PARAPLEGIA, AUTOSOMAL RECESSIVE, WITH MENTAL IMPAIRMENT AND THIN CORPUS CALLOSUM. Identifiers: Orphanet 2822, MedGen C1858479, MONDO:0011445, OMIM 604360.

Allele frequency attached by ClinVar (database versions not stated): gnomAD exomes below 0.00001; ExAC 0.00002; ESP Exome Variant Server 0.00008.

Submission:

Labcorp Genetics (formerly Invitae), Labcorp
Classification: Uncertain significance for Hereditary spastic paraplegia 11. Last evaluated: 2022-05-30. Review status: criteria provided, single submitter. Criteria: Invitae Variant Classification Sherloc (09022015). Collection method: clinical testing. Allele origin: germline.
Comment: This sequence change replaces methionine, which is neutral and non-polar, with isoleucine, which is neutral and non-polar, at codon 1272 of the SPG11 protein (p.Met1272Ile). This variant is present in population databases (rs368696358, gnomAD 0.002%). This variant has not been reported in the literature in individuals affected with SPG11-related conditions. Algorithms developed to predict the effect of missense changes on protein structure and function (SIFT, PolyPhen-2, Align-GVGD) all suggest that this variant is likely to be tolerated. In summary, the available evidence is currently insufficient to determine the role of this variant in disease. Therefore, it has been classified as a Variant of Uncertain Significance.

NM_025137.4(SPG11):c.3816G>C (p.Met1272Ile)

Gene: SPG11 (SPG11 vesicle trafficking associated, spatacsin; minus strand). Cytogenetic location: 15q21.1.
Variant type: single nucleotide variant.
Coding change: c.3816G>C on transcript NM_025137.4 (MANE Select); coding-DNA position 3816, G replaced by C.
Protein change: p.Met1272Ile; replaces methionine 1272 with isoleucine.
Molecular consequence: missense variant.
Genome position (GRCh38, 1-based): chr15:44,598,707, C>G on the plus strand (G>C on the coding strand, the complement: SPG11 is on the minus strand). VCF-style: chr15-44598707-C-G. GRCh37 (hg19) VCF-style: chr15-44890905-C-G.
Other names: c.3816G>C, p.Met1272Ile (NM_001160227.2, NM_001411132.1); short protein forms M1272I.
Identifiers: ClinVar variation 2000883 (VCV002000883.1), dbSNP rs368696358, ClinGen allele CA7534850.